The following is an entry in ClinVar:

NM_000257.4(MYH7):c.4822C>T (p.Arg1608Cys)

Genes: MHRT (myosin heavy chain associated RNA transcript; plus strand), MYH7 (myosin heavy chain 7; minus strand), LOC126861897 (BRD4-independent group 4 enhancer GRCh37_chr14:23884455-23885654; plus strand). Cytogenetic location: 14q11.2.
Variant type: single nucleotide variant.
Coding change: c.4822C>T on transcript NM_000257.4 (MANE Select); coding-DNA position 4822, C replaced by T.
Protein change: p.Arg1608Cys; replaces arginine 1608 with cysteine.
Molecular consequence: missense variant. On other transcripts: non-coding transcript variant (1).
Genome position (GRCh38, 1-based): chr14:23,416,135, G>A on the plus strand (C>T on the coding strand, the complement: MYH7 is on the minus strand). VCF-style: chr14-23416135-G-A. GRCh37 (hg19) VCF-style: chr14-23885344-G-A.
Other names: short protein forms R1608C.
Identifiers: ClinVar variation 567807 (VCV000567807.18), dbSNP rs746571601, ClinGen allele CA043961.
Genomic context (GRCh38, chr14:23,416,135, plus strand): 5'-GGATCTCCATCTCATTGAGGTCTCCTTCCATCTTCTTCTTCACCCTCAGGGCCTCGTTGC[G>A]GCTGCGTGTCTCTGCGTCCAGGGAGGTCTGCAGCGAGTCCACCACCCGCAGGTGGTTGCG-3'
Protein context (NP_000248.2, residues 1598-1618): QTSLDAETRS[Arg1608Cys]NEALRVKKKM

ClinVar aggregate classification (germline): Uncertain significance. Review status: criteria provided, multiple submitters, no conflicts (2 of 4 stars). 6 submissions from 6 submitters: Uncertain significance (6). Last evaluated 2026-05-22.

Conditions:
MYH7-related disorder. Also called: MYH7-related condition; MYH7-related disease; MYH7-related disorders.
Primary dilated cardiomyopathy (DCM). Also called: Dilated Cardiomyopathy. Identifiers: Orphanet 217604, MedGen C0007193, MeSH D002311, MONDO:0005021, HP:0001644. Inheritance: Various modes of inheritance.
Cardiovascular phenotype. Identifiers: MedGen CN230736.
Cardiomyopathy (CMYO). Also called: Cardiomyopathies. Identifiers: Orphanet 167848, MedGen C0878544, MONDO:0004994, HP:0001638. Inheritance: Various modes of inheritance.
Hypertrophic cardiomyopathy. Also called: HYPERTROPHIC MYOCARDIOPATHY. Identifiers: Orphanet 217569, MedGen C0007194, MeSH D002312, MONDO:0005045, HP:0001639.

Allele frequency attached by ClinVar (database versions not stated): gnomAD exomes below 0.00001; ExAC 0.00001; gnomAD 0.00001; TOPMed 0.00002.
gnomAD v4.1: 10 of 1,614,020 alleles (0.00062%); highest among the groups gnomAD compares: East Asian, 0.0045%; no homozygotes.

Submissions (6):

PreventionGenetics, part of Exact Sciences
Classification: Uncertain significance for MYH7-related condition. Last evaluated: 2026-05-22. Review status: criteria provided, single submitter. Criteria: ACMG Guidelines, 2015. Collection method: clinical testing. Allele origin: germline.
Comment: The MYH7 c.4822C>T variant is predicted to result in the amino acid substitution p.Arg1608Cys. This variant has been reported as uncertain in 2 individuals from an exome sequencing cohort who did not have hypertrophic cardiomyopathy (Table S6, Park et al. 2022. PubMed ID: 34542152). This variant is reported in 0.00088% of alleles in individuals of European (non-Finnish) descent in gnomAD and is interpreted as uncertain in ClinVar (Variation ID: 567807). Alternate missense changes at the same amino acid position have been reported in individuals with dilated cardiomyopathy (p.Arg1608His, Nguyen et al. 2021. PubMed ID: 34011823 ) and MYH7-related myopathy (p.Arg1608Pro, Lamont et al. 2014. PubMed ID: 24664454; p.Arg1608Ser, Dabaj et al. 2018. PubMed ID: 29624713). At this time, the clinical significance of this variant is uncertain due to the absence of conclusive functional and genetic evidence.

Labcorp Genetics (formerly Invitae), Labcorp
Classification: Uncertain significance for Hypertrophic cardiomyopathy. Last evaluated: 2025-10-19. Review status: criteria provided, single submitter. Criteria: Invitae Variant Classification Sherloc (09022015). Collection method: clinical testing. Allele origin: germline.
Comment: This sequence change replaces arginine, which is basic and polar, with cysteine, which is neutral and slightly polar, at codon 1608 of the MYH7 protein (p.Arg1608Cys). This variant is present in population databases (rs746571601, gnomAD 0.0009%). This variant has not been reported in the literature in individuals affected with MYH7-related conditions. ClinVar contains an entry for this variant (Variation ID: 567807). Invitae Evidence Modeling of protein sequence and biophysical properties (such as structural, functional, and spatial information, amino acid conservation, physicochemical variation, residue mobility, and thermodynamic stability) indicates that this missense variant is expected to disrupt MYH7 protein function with a positive predictive value of 95%. In summary, the available evidence is currently insufficient to determine the role of this variant in disease. Therefore, it has been classified as a Variant of Uncertain Significance.

All of Us Research Program, National Institutes of Health
Classification: Uncertain significance for Cardiomyopathy. Last evaluated: 2023-12-14. Review status: criteria provided, single submitter. Criteria: ACMG Guidelines, 2015. Collection method: clinical testing. Allele origin: germline. Inheritance: Autosomal dominant inheritance. Observed: 2 variant alleles, 2 heterozygotes.
Comment: This study involves interpretation of variants in research participants for the purpose of population health screening. Participant phenotype was not available at the time of variant classification. Additional details can be found in publication PMID: 35346344, PMCID: PMC8962531

Ambry Genetics
Classification: Uncertain significance for Cardiovascular phenotype. Last evaluated: 2023-10-01. Review status: criteria provided, single submitter. Criteria: Ambry Variant Classification Scheme 2023. Collection method: clinical testing. Allele origin: germline.
Comment: The p.R1608C variant (also known as c.4822C>T), located in coding exon 32 of the MYH7 gene, results from a C to T substitution at nucleotide position 4822. The arginine at codon 1608 is replaced by cysteine, an amino acid with highly dissimilar properties. This amino acid position is highly conserved in available vertebrate species. In addition, this alteration is predicted to be deleterious by in silico analysis. Since supporting evidence is limited at this time, the clinical significance of this alteration remains unclear.

Color Diagnostics, LLC DBA Color Health
Classification: Uncertain significance for Cardiomyopathy. Last evaluated: 2021-11-03. Review status: criteria provided, single submitter. Criteria: ACMG Guidelines, 2015. Collection method: clinical testing. Allele origin: germline.
Comment: This missense variant replaces arginine with cysteine at codon 1608 of the MYH7 protein. Computational prediction suggests that this variant may have deleterious impact on protein structure and function (internally defined REVEL score threshold >= 0.7, PMID: 27666373). To our knowledge, functional studies have not been reported for this variant. This variant has not been reported in individuals affected with cardiovascular disorders in the literature. This variant has been identified in 1/251492 chromosomes in the general population by the Genome Aggregation Database (gnomAD). The available evidence is insufficient to determine the role of this variant in disease conclusively. Therefore, this variant is classified as a Variant of Uncertain Significance.

Genetics and Genomics Program, Sidra Medicine
Classification: Uncertain significance for Primary dilated cardiomyopathy. Review status: criteria provided, single submitter. Criteria: ACMG Guidelines, 2015. Collection method: research. Allele origin: unknown. Affected: yes. Observed: 1 variant allele.